The following is an entry in ClinVar:

NM_001267550.2(TTN):c.72772A>G (p.Ile24258Val)

Genes: TTN (titin; minus strand), TTN-AS1 (TTN antisense RNA 1; plus strand). Cytogenetic location: 2q31.2.
Variant type: single nucleotide variant.
Coding change: c.72772A>G on transcript NM_001267550.2 (MANE Select); coding-DNA position 72772, A replaced by G.
Protein change: p.Ile24258Val; replaces isoleucine 24258 with valine.
Molecular consequence: missense variant.
Genome position (GRCh38, 1-based): chr2:178,573,360, T>C on the plus strand (A>G on the coding strand, the complement: TTN is on the minus strand). VCF-style: chr2-178573360-T-C. GRCh37 (hg19) VCF-style: chr2-179438087-T-C.
Other names: c.67849A>G, p.Ile22617Val (NM_001256850.1); c.45577A>G, p.Ile15193Val (NM_003319.4); c.65068A>G, p.Ile21690Val (NM_133378.4); c.45952A>G, p.Ile15318Val (NM_133432.3); c.46153A>G, p.Ile15385Val (NM_133437.4); c.72772A>G (NM_001267550.1); short protein forms I22617V, I15318V, I24258V, I15385V, I15193V, I21690V.
Identifiers: ClinVar variation 3897123 (VCV003897123.1), dbSNP rs763561377.
Genomic context (GRCh38, chr2:178,573,360, plus strand): 5'-TAAGAGTTTTTTTGTTGCATTTAATCCAGCGTTGGCCAGCTTTATCACGCCGTTCCACAA[T>C]ATAATTGATGATTTCACTTCCACCATCAGAATCAGGATGTCCCCAGCAGACAACCATCGA-3'
Protein context (NP_001254479.2, residues 24248-24268): SDGGSEIINY[Ile24258Val]VERRDKAGQR

ClinVar aggregate classification (germline): Uncertain significance (1 of 4 stars; one submission).

Allele frequency attached by ClinVar (database versions not stated): ExAC 0.00001; gnomAD 0.00001; gnomAD exomes 0.00001; TOPMed 0.00002.
gnomAD v4.1: 10 of 1,528,690 alleles (0.00065%); highest among the groups gnomAD compares: African/African-American, 0.0014%; no homozygotes.

Submission:

GeneDx
Classification: Uncertain significance. Last evaluated: 2024-11-04. Review status: criteria provided, single submitter. Criteria: GeneDx Variant Classification Process June 2021. Collection method: clinical testing. Allele origin: germline. Affected: yes.
Comment: Not observed at significant frequency in large population cohorts (gnomAD); Missense variant in a gene in which most reported pathogenic variants are truncating/loss of function; Has not been previously published as pathogenic or benign to our knowledge